The following is an entry in ClinVar:

ClinVar aggregate classification (germline): Uncertain significance (1 of 4 stars; one submission).

Conditions:
T-cell immunodeficiency with epidermodysplasia verruciformis. Identifiers: Orphanet 324294, MedGen C4749500, MONDO:0017925.

gnomAD v4.1: 1 of 1,614,120 alleles (0.000062%); highest among the groups gnomAD compares: Non-Finnish European, 0.000085%; no homozygotes.

Submission:

Labcorp Genetics (formerly Invitae), Labcorp
Classification: Uncertain significance for T-cell immunodeficiency with epidermodysplasia verruciformis. Last evaluated: 2024-05-22. Review status: criteria provided, single submitter. Criteria: Invitae Variant Classification Sherloc (09022015). Collection method: clinical testing. Allele origin: germline.
Comment: This sequence change replaces leucine, which is neutral and non-polar, with phenylalanine, which is neutral and non-polar, at codon 56 of the RHOH protein (p.Leu56Phe). This variant is not present in population databases (gnomAD no frequency). This variant has not been reported in the literature in individuals affected with RHOH-related conditions. An algorithm developed to predict the effect of missense changes on protein structure and function (PolyPhen-2) suggests that this variant is likely to be disruptive. In summary, the available evidence is currently insufficient to determine the role of this variant in disease. Therefore, it has been classified as a Variant of Uncertain Significance.

NM_004310.5(RHOH):c.166C>T (p.Leu56Phe)

Gene: RHOH (ras homolog family member H; plus strand). Cytogenetic location: 4p14.
Variant type: single nucleotide variant.
Coding change: c.166C>T on transcript NM_004310.5 (MANE Select); coding-DNA position 166, C replaced by T.
Protein change: p.Leu56Phe; replaces leucine 56 with phenylalanine.
Molecular consequence: missense variant.
Genome position (GRCh38, 1-based): chr4:40,243,552, C>T. VCF-style: chr4-40243552-C-T. GRCh37 (hg19) VCF-style: chr4-40245172-C-T.
Other names: c.166C>T, p.Leu56Phe (NM_001278363.2, NM_001278364.2, NM_001278365.2 and 8 more transcripts); short protein forms L56F.
Identifiers: ClinVar variation 3654266 (VCV003654266.2).